The following is an entry in ClinVar:

NM_015909.4(NBAS):c.175C>T (p.Arg59Cys)

Gene: NBAS (NBAS subunit of NRZ tethering complex; minus strand). Cytogenetic location: 2p24.3.
Variant type: single nucleotide variant.
Coding change: c.175C>T on transcript NM_015909.4 (MANE Select); coding-DNA position 175, C replaced by T.
Protein change: p.Arg59Cys; replaces arginine 59 with cysteine.
Molecular consequence: missense variant. On other transcripts: non-coding transcript variant (1).
Genome position (GRCh38, 1-based): chr2:15,556,817, G>A on the plus strand (C>T on the coding strand, the complement: NBAS is on the minus strand). VCF-style: chr2-15556817-G-A. GRCh37 (hg19) VCF-style: chr2-15696941-G-A.
Other names: short protein forms R59C.
Identifiers: ClinVar variation 2097655 (VCV002097655.3), dbSNP rs1235365258, ClinGen allele CA345893996.

ClinVar aggregate classification (germline): Uncertain significance (1 of 4 stars; one submission).

gnomAD v4.1: 3 of 1,609,748 alleles (0.00019%); highest among the groups gnomAD compares: African/African-American, 0.0013%; no homozygotes.

Submission:

Labcorp Genetics (formerly Invitae), Labcorp
Classification: Uncertain significance. Last evaluated: 2026-01-25. Review status: criteria provided, single submitter. Criteria: Invitae Variant Classification Sherloc (09022015). Collection method: clinical testing. Allele origin: germline.
Comment: This sequence change replaces arginine, which is basic and polar, with cysteine, which is neutral and slightly polar, at codon 59 of the NBAS protein (p.Arg59Cys). This variant is not present in population databases (gnomAD no frequency). This variant has not been reported in the literature in individuals affected with NBAS-related conditions. ClinVar contains an entry for this variant (Variation ID: 2097655). Invitae Evidence Modeling of protein sequence and biophysical properties (such as structural, functional, and spatial information, amino acid conservation, physicochemical variation, residue mobility, and thermodynamic stability) indicates that this missense variant is not expected to disrupt NBAS protein function with a negative predictive value of 95%. In summary, the available evidence is currently insufficient to determine the role of this variant in disease. Therefore, it has been classified as a Variant of Uncertain Significance.